The following is an entry in ClinVar:

NM_000440.3(PDE6A):c.278G>T (p.Arg93Leu)

Gene: PDE6A (phosphodiesterase 6A; minus strand). Cytogenetic location: 5q32.
Variant type: single nucleotide variant.
Coding change: c.278G>T on transcript NM_000440.3 (MANE Select); coding-DNA position 278, G replaced by T.
Protein change: p.Arg93Leu; replaces arginine 93 with leucine.
Molecular consequence: missense variant.
Genome position (GRCh38, 1-based): chr5:149,944,396, C>A on the plus strand (G>T on the coding strand, the complement: PDE6A is on the minus strand). VCF-style: chr5-149944396-C-A. GRCh37 (hg19) VCF-style: chr5-149323959-C-A.
Other names: short protein forms R93L.
Identifiers: ClinVar variation 1037808 (VCV001037808.10), dbSNP rs780279555, ClinGen allele CA3505094.
Genomic context (GRCh38, chr5:149,944,396, plus strand): 5'-AAAAGCCTGGTGGCCAGCTCTGCGATGCCATTGCGGGTCCGGTACATGAACAGGCTCATG[C>A]GGTCTGCCTGCAGGAGGAAGCACAGCTTCTTCATGACATTGAAGATGCATTTCTCTGTCT-3'
Protein context (NP_000431.2, residues 83-103): KKLCFLLQAD[Arg93Leu]MSLFMYRTRN

ClinVar aggregate classification (germline): Uncertain significance. Review status: criteria provided, multiple submitters, no conflicts (2 of 4 stars). 2 submissions from 2 submitters: Uncertain significance (2). Last evaluated 2024-02-24.

Allele frequency attached by ClinVar (database versions not stated): TOPMed 0.00001.

Submissions (2):

Labcorp Genetics (formerly Invitae), Labcorp
Classification: Uncertain significance. Last evaluated: 2024-02-24. Review status: criteria provided, single submitter. Criteria: Invitae Variant Classification Sherloc (09022015). Collection method: clinical testing. Allele origin: germline.
Comment: This sequence change replaces arginine, which is basic and polar, with leucine, which is neutral and non-polar, at codon 93 of the PDE6A protein (p.Arg93Leu). This variant is present in population databases (rs780279555, gnomAD 0.004%). This variant has not been reported in the literature in individuals affected with PDE6A-related conditions. ClinVar contains an entry for this variant (Variation ID: 1037808). Advanced modeling of protein sequence and biophysical properties (such as structural, functional, and spatial information, amino acid conservation, physicochemical variation, residue mobility, and thermodynamic stability) has been performed at Invitae for this missense variant, however the output from this modeling did not meet the statistical confidence thresholds required to predict the impact of this variant on PDE6A protein function. In summary, the available evidence is currently insufficient to determine the role of this variant in disease. Therefore, it has been classified as a Variant of Uncertain Significance.

Blueprint Genetics
Classification: Uncertain significance. Last evaluated: 2022-10-14. Review status: criteria provided, single submitter. Criteria: ACMG Guidelines, 2015. Collection method: clinical testing. Allele origin: germline.